The following is an entry in ClinVar:

NM_001077653.2(TBX20):c.11C>A (p.Thr4Lys)

Gene: TBX20 (T-box transcription factor 20; minus strand). Cytogenetic location: 7p14.2.
Variant type: single nucleotide variant.
Coding change: c.11C>A on transcript NM_001077653.2 (MANE Select); coding-DNA position 11, C replaced by A.
Protein change: p.Thr4Lys; replaces threonine 4 with lysine.
Molecular consequence: missense variant.
Genome position (GRCh38, 1-based): chr7:35,253,610, G>T on the plus strand (C>A on the coding strand, the complement: TBX20 is on the minus strand). VCF-style: chr7-35253610-G-T. GRCh37 (hg19) VCF-style: chr7-35293221-G-T.
Other names: c.11C>A, p.Thr4Lys (NM_001166220.1); short protein forms T4K.
Identifiers: ClinVar variation 2915156 (VCV002915156.4), dbSNP rs759458240, ClinGen allele CA4217620.

ClinVar aggregate classification (germline): Uncertain significance. Review status: criteria provided, multiple submitters, no conflicts (2 of 4 stars). 2 submissions from 2 submitters: Uncertain significance (2). Last evaluated 2025-05-03.

Conditions:
Cardiovascular phenotype. Identifiers: MedGen CN230736.

Allele frequency attached by ClinVar (database versions not stated): ExAC 0.00001; gnomAD exomes 0.00001.
gnomAD v4.1: 16 of 1,611,676 alleles (0.00099%); highest among the groups gnomAD compares: Non-Finnish European, 0.0013%; no homozygotes.

Submissions (2):

Ambry Genetics
Classification: Uncertain significance for Cardiovascular phenotype. Last evaluated: 2025-05-03. Review status: criteria provided, single submitter. Criteria: Ambry Variant Classification Scheme 2023. Collection method: clinical testing. Allele origin: germline.
Comment: The p.T4K variant (also known as c.11C>A), located in coding exon 1 of the TBX20 gene, results from a C to A substitution at nucleotide position 11. The threonine at codon 4 is replaced by lysine, an amino acid with similar properties. This amino acid position is conserved. In addition, this alteration is predicted to be deleterious by in silico analysis. Based on the available evidence, the clinical significance of this variant remains unclear.

Labcorp Genetics (formerly Invitae), Labcorp
Classification: Uncertain significance. Last evaluated: 2023-07-13. Review status: criteria provided, single submitter. Criteria: Invitae Variant Classification Sherloc (09022015). Collection method: clinical testing. Allele origin: germline.
Comment: In summary, the available evidence is currently insufficient to determine the role of this variant in disease. Therefore, it has been classified as a Variant of Uncertain Significance. An algorithm developed to predict the effect of missense changes on protein structure and function (PolyPhen-2) suggests that this variant is likely to be tolerated. This variant has not been reported in the literature in individuals affected with TBX20-related conditions. This variant is present in population databases (rs759458240, gnomAD 0.0009%). This sequence change replaces threonine, which is neutral and polar, with lysine, which is basic and polar, at codon 4 of the TBX20 protein (p.Thr4Lys).